The following is an entry in ClinVar:

NM_017775.4(TTC19):c.340G>C (p.Glu114Gln)

Gene: TTC19 (tetratricopeptide repeat domain 19; plus strand). Cytogenetic location: 17p12.
Variant type: single nucleotide variant.
Coding change: c.340G>C on transcript NM_017775.4 (MANE Select); coding-DNA position 340, G replaced by C.
Protein change: p.Glu114Gln; replaces glutamic acid 114 with glutamine.
Molecular consequence: missense variant.
Genome position (GRCh38, 1-based): chr17:16,001,942, G>C. VCF-style: chr17-16001942-G-C. GRCh37 (hg19) VCF-style: chr17-15905256-G-C.
Other names: p.Glu114Gln; c.19G>C, p.Glu7Gln (NM_001271420.2); short protein forms E114Q, E7Q.
Identifiers: ClinVar variation 3380471 (VCV003380471.1).

ClinVar aggregate classification (germline): Uncertain significance (1 of 4 stars; one submission).

Submission:

Mayo Clinic Laboratories, Mayo Clinic
Classification: Uncertain significance. Last evaluated: 2024-08-12. Review status: criteria provided, single submitter. Criteria: ACMG Guidelines, 2015. Collection method: clinical testing. Allele origin: germline. Observed: 1 variant allele.
Comment: PM2